The following is an entry in ClinVar:

NM_006389.5(HYOU1):c.1457G>A (p.Arg486His)

Gene: HYOU1 (hypoxia up-regulated 1; minus strand). Cytogenetic location: 11q23.3.
Variant type: single nucleotide variant.
Coding change: c.1457G>A on transcript NM_006389.5 (MANE Select); coding-DNA position 1457, G replaced by A.
Protein change: p.Arg486His; replaces arginine 486 with histidine.
Molecular consequence: missense variant.
Genome position (GRCh38, 1-based): chr11:119,051,507, C>T on the plus strand (G>A on the coding strand, the complement: HYOU1 is on the minus strand). VCF-style: chr11-119051507-C-T. GRCh37 (hg19) VCF-style: chr11-118922219-C-T.
Other names: c.1457G>A (NM_006389.3); c.1457G>A, p.Arg486His (NM_001130991.3, NM_001411041.1); short protein forms R486H.
Identifiers: ClinVar variation 2907537 (VCV002907537.4), dbSNP rs782795154, ClinGen allele CA229621863.

ClinVar aggregate classification (germline): Uncertain significance. Review status: criteria provided, multiple submitters, no conflicts (2 of 4 stars). 2 submissions from 2 submitters: Uncertain significance (2). Last evaluated 2024-11-13.

Allele frequency attached by ClinVar (database versions not stated): gnomAD 0.00003; gnomAD exomes 0.00003; TOPMed 0.00004.
gnomAD v4.1: 55 of 1,613,964 alleles (0.0034%); highest among the groups gnomAD compares: South Asian, 0.0044%; no homozygotes.

Submissions (2):

Ambry Genetics
Classification: Uncertain significance. Last evaluated: 2024-11-13. Review status: criteria provided, single submitter. Criteria: Ambry Variant Classification Scheme 2023. Collection method: clinical testing. Allele origin: germline.

Labcorp Genetics (formerly Invitae), Labcorp
Classification: Uncertain significance. Last evaluated: 2022-12-23. Review status: criteria provided, single submitter. Criteria: Invitae Variant Classification Sherloc (09022015). Collection method: clinical testing. Allele origin: germline.
Comment: This sequence change replaces arginine, which is basic and polar, with histidine, which is basic and polar, at codon 486 of the HYOU1 protein (p.Arg486His). This variant is present in population databases (rs782795154, gnomAD 0.006%). This variant has not been reported in the literature in individuals affected with HYOU1-related conditions. Algorithms developed to predict the effect of missense changes on protein structure and function are either unavailable or do not agree on the potential impact of this missense change (SIFT: "Tolerated"; PolyPhen-2: "Probably Damaging"; Align-GVGD: "Class C0"). In summary, the available evidence is currently insufficient to determine the role of this variant in disease. Therefore, it has been classified as a Variant of Uncertain Significance.